The following is an entry in ClinVar:

NM_015311.3(OBSL1):c.3259C>T (p.Arg1087Cys)

Gene: OBSL1 (obscurin like cytoskeletal adaptor 1; minus strand). Cytogenetic location: 2q35.
Variant type: single nucleotide variant.
Coding change: c.3259C>T on transcript NM_015311.3 (MANE Select); coding-DNA position 3259, C replaced by T.
Protein change: p.Arg1087Cys; replaces arginine 1087 with cysteine.
Molecular consequence: missense variant.
Genome position (GRCh38, 1-based): chr2:219,558,427, G>A on the plus strand (C>T on the coding strand, the complement: OBSL1 is on the minus strand). VCF-style: chr2-219558427-G-A. GRCh37 (hg19) VCF-style: chr2-220423149-G-A.
Other names: c.3259C>T, p.Arg1087Cys (NM_001173431.2); c.3259C>T (NM_015311.2); short protein forms R1087C.
Identifiers: ClinVar variation 1000253 (VCV001000253.9), dbSNP rs202246881, ClinGen allele CA2130914.
Genomic context (GRCh38, chr2:219,558,427, plus strand): 5'-GGGCCACCTCACAGCGCAGCTCCACGCGCCCTGGAGCCCCAAAATGCAGATCCAGGGAGC[G>A]GGCTGCCGGGTGCACAATCCTCTCTGGTGGGGCTGGTGGGTGGGCATGGAGAGGGGCACA-3'
Protein context (NP_056126.1, residues 1077-1097): PPERIVHPAA[Arg1087Cys]SLDLHFGAPG

ClinVar aggregate classification (germline): Uncertain significance. Review status: criteria provided, multiple submitters, no conflicts (2 of 4 stars). 4 submissions from 4 submitters: Uncertain significance (4). Last evaluated 2025-11-11.

Conditions:
Inborn genetic diseases. Identifiers: MedGen C0950123, MeSH D030342.

Allele frequency attached by ClinVar (database versions not stated): TOPMed 0.00043; gnomAD exomes 0.00019; ExAC 0.00033; ESP Exome Variant Server 0.00042; gnomAD 0.00030 and 0.00032.
gnomAD v4.1: 143 of 1,592,700 alleles (0.009%); highest among the groups gnomAD compares: African/African-American, 0.066%; no homozygotes.

Submissions (4):

Women's Health and Genetics/Laboratory Corporation of America, LabCorp
Classification: Uncertain significance. Last evaluated: 2025-11-11. Review status: criteria provided, single submitter. Criteria: LabCorp Variant Classification Summary - May 2015. Collection method: clinical testing. Allele origin: germline.
Comment: Variant summary: OBSL1 c.3259C>T (p.Arg1087Cys) results in a non-conservative amino acid change located in the Immunoglobulin-like domain (IPR007110) of the encoded protein sequence. Algorithms developed to predict the effect of missense changes on protein structure and function are either unavailable or do not agree on the potential impact of this missense change. The variant allele was found at a frequency of 0.00019 in 205472 control chromosomes. This frequency is not significantly higher than estimated for disease-causing variants in OBSL1, allowing no conclusion about variant significance. To our knowledge, no occurrence of c.3259C>T in individuals affected with OBSL1-related conditions and no experimental evidence demonstrating its impact on protein function have been reported. ClinVar contains an entry for this variant (Variation ID: 1000253). Based on the evidence outlined above, the variant was classified as uncertain significance.

Ambry Genetics
Classification: Uncertain significance for Inborn genetic diseases. Last evaluated: 2025-09-10. Review status: criteria provided, single submitter. Criteria: Ambry Variant Classification Scheme 2023. Collection method: clinical testing. Allele origin: germline.

GeneDx
Classification: Uncertain significance. Last evaluated: 2025-07-11. Review status: criteria provided, single submitter. Criteria: GeneDx Variant Classification Process June 2021. Collection method: clinical testing. Allele origin: germline. Affected: yes.
Comment: In silico analysis supports that this missense variant has a deleterious effect on protein structure/function; Has not been previously published as pathogenic or benign to our knowledge

Labcorp Genetics (formerly Invitae), Labcorp
Classification: Uncertain significance. Last evaluated: 2024-10-11. Review status: criteria provided, single submitter. Criteria: Invitae Variant Classification Sherloc (09022015). Collection method: clinical testing. Allele origin: germline.
Comment: This sequence change replaces arginine, which is basic and polar, with cysteine, which is neutral and slightly polar, at codon 1087 of the OBSL1 protein (p.Arg1087Cys). This variant is present in population databases (rs202246881, gnomAD 0.08%). This variant has not been reported in the literature in individuals affected with OBSL1-related conditions. ClinVar contains an entry for this variant (Variation ID: 1000253). An algorithm developed to predict the effect of missense changes on protein structure and function (PolyPhen-2) suggests that this variant is likely to be disruptive. In summary, the available evidence is currently insufficient to determine the role of this variant in disease. Therefore, it has been classified as a Variant of Uncertain Significance.